The following is an entry in ClinVar:

NM_032382.5(COG8):c.304C>T (p.Arg102Cys)

Genes: COG8 (component of oligomeric golgi complex 8; minus strand), LOC130059305 (ATAC-STARR-seq lymphoblastoid silent region 7658; plus strand). Cytogenetic location: 16q22.1.
Variant type: single nucleotide variant.
Coding change: c.304C>T on transcript NM_032382.5 (MANE Select); coding-DNA position 304, C replaced by T.
Protein change: p.Arg102Cys; replaces arginine 102 with cysteine.
Molecular consequence: missense variant.
Genome position (GRCh38, 1-based): chr16:69,339,249, G>A on the plus strand (C>T on the coding strand, the complement: COG8 is on the minus strand). VCF-style: chr16-69339249-G-A. GRCh37 (hg19) VCF-style: chr16-69373152-G-A.
Other names: c.304C>T, p.Arg102Cys (NM_001374871.1, NM_001379261.1, NM_001379262.1 and 4 more transcripts); c.304C>T (NM_032382.4); short protein forms R102C.
Identifiers: ClinVar variation 1800936 (VCV001800936.3), dbSNP rs751527952, ClinGen allele CA8134019.

ClinVar aggregate classification (germline): Uncertain significance. Review status: criteria provided, multiple submitters, no conflicts (2 of 4 stars). 2 submissions from 2 submitters: Uncertain significance (2). Last evaluated 2023-04-04.

Conditions:
Inborn genetic diseases. Identifiers: MedGen C0950123, MeSH D030342.

Allele frequency attached by ClinVar (database versions not stated): ExAC 0.00002; gnomAD 0.00003; TOPMed 0.00004.

Submissions (2):

Ambry Genetics
Classification: Uncertain significance for Inborn genetic diseases. Last evaluated: 2023-04-04. Review status: criteria provided, single submitter. Criteria: Ambry Variant Classification Scheme 2023. Collection method: clinical testing. Allele origin: germline.

GeneDx
Classification: Uncertain significance. Last evaluated: 2022-05-26. Review status: criteria provided, single submitter. Criteria: GeneDx Variant Classification Process June 2021. Collection method: clinical testing. Allele origin: germline. Affected: yes.
Comment: In silico analysis supports that this missense variant has a deleterious effect on protein structure/function; Has not been previously published as pathogenic or benign to our knowledge